The following is an entry in ClinVar:

ClinVar aggregate classification (germline): Uncertain significance. Review status: criteria provided, multiple submitters, no conflicts (2 of 4 stars). 5 submissions from 5 submitters: Uncertain significance (5). Last evaluated 2025-11-05.

Conditions:
Hereditary cancer-predisposing syndrome. Also called: Neoplastic Syndromes, Hereditary; Tumor predisposition; Hereditary Cancer Syndrome; Hereditary neoplastic syndrome. Identifiers: Orphanet 140162, MedGen C0027672, MeSH D009386, MONDO:0015356.
Familial adenomatous polyposis 1 (FAP1). Also called: FAMILIAL ADENOMATOUS POLYPOSIS 1, ATTENUATED; POLYPOSIS, ADENOMATOUS INTESTINAL. Identifiers: MedGen C2713442, MONDO:0021056, OMIM 175100. Disease mechanism: loss of function.
Classic or attenuated familial adenomatous polyposis. Identifiers: MedGen CN372698, MONDO:0021057.

Allele frequency attached by ClinVar (database versions not stated): gnomAD 0.00002; TOPMed 0.00002; ESP Exome Variant Server 0.00015.

Submissions (5):

Labcorp Genetics (formerly Invitae), Labcorp
Classification: Uncertain significance for Familial adenomatous polyposis 1. Last evaluated: 2025-11-05. Review status: criteria provided, single submitter. Criteria: Invitae Variant Classification Sherloc (09022015). Collection method: clinical testing. Allele origin: germline.
Comment: This sequence change replaces serine, which is neutral and polar, with phenylalanine, which is neutral and non-polar, at codon 95 of the APC protein (p.Ser95Phe). This variant is not present in population databases (gnomAD no frequency). This variant has not been reported in the literature in individuals affected with APC-related conditions. ClinVar contains an entry for this variant (Variation ID: 482441). Invitae Evidence Modeling of protein sequence and biophysical properties (such as structural, functional, and spatial information, amino acid conservation, physicochemical variation, residue mobility, and thermodynamic stability) indicates that this missense variant is not expected to disrupt APC protein function with a negative predictive value of 95%. In summary, the available evidence is currently insufficient to determine the role of this variant in disease. Therefore, it has been classified as a Variant of Uncertain Significance.

Ambry Genetics
Classification: Uncertain significance for Hereditary cancer-predisposing syndrome. Last evaluated: 2023-10-27. Review status: criteria provided, single submitter. Criteria: Ambry Variant Classification Scheme 2023. Collection method: clinical testing. Allele origin: germline.
Comment: The p.S95F variant (also known as c.284C>T), located in coding exon 3 of the APC gene, results from a C to T substitution at nucleotide position 284. The serine at codon 95 is replaced by phenylalanine, an amino acid with highly dissimilar properties. This amino acid position is highly conserved in available vertebrate species. In addition, in silico predictors for this gene do not accurately predict pathogenicity. Since supporting evidence is limited at this time, the clinical significance of this alteration remains unclear.

All of Us Research Program, National Institutes of Health
Classification: Uncertain significance for Classic or attenuated familial adenomatous polyposis. Last evaluated: 2023-04-27. Review status: criteria provided, single submitter. Criteria: ACMG Guidelines, 2015. Collection method: clinical testing. Allele origin: germline. Inheritance: Autosomal dominant inheritance. Observed: 1 variant allele, 1 heterozygote.
Comment: This study involves interpretation of variants in research participants for the purpose of population health screening. Participant phenotype was not available at the time of variant classification. Additional details can be found in publication PMID: 35346344, PMCID: PMC8962531

Women's Health and Genetics/Laboratory Corporation of America, LabCorp
Classification: Uncertain significance. Last evaluated: 2023-01-12. Review status: criteria provided, single submitter. Criteria: LabCorp Variant Classification Summary - May 2015. Collection method: clinical testing. Allele origin: germline.

GeneDx
Classification: Uncertain significance. Last evaluated: 2022-11-22. Review status: criteria provided, single submitter. Criteria: GeneDx Variant Classification Process June 2021. Collection method: clinical testing. Allele origin: germline. Affected: yes.
Comment: Not observed in large population cohorts (gnomAD); In silico analysis supports that this missense variant does not alter protein structure/function; Has not been previously published as pathogenic or benign to our knowledge

NM_000038.6(APC):c.284C>T (p.Ser95Phe)

Gene: APC (APC regulator of Wnt signaling pathway; plus strand). Cytogenetic location: 5q22.2.
Variant type: single nucleotide variant.
Coding change: c.284C>T on transcript NM_000038.6 (MANE Select); coding-DNA position 284, C replaced by T.
Protein change: p.Ser95Phe; replaces serine 95 with phenylalanine.
Molecular consequence: missense variant. On other transcripts: 5 prime UTR variant (1).
Genome position (GRCh38, 1-based): chr5:112,767,252, C>T. VCF-style: chr5-112767252-C-T. GRCh37 (hg19) VCF-style: chr5-112102949-C-T.
Other names: c.284C>T, p.Ser95Phe (NM_001127510.3, NM_001354895.2, NM_001354896.2 and 2 more transcripts); c.314C>T, p.Ser105Phe (NM_001127511.3, NM_001354897.2, NM_001354902.2); c.209C>T, p.Ser70Phe (NM_001354898.2, NM_001354904.2); c.107C>T, p.Ser36Phe (NM_001354900.2, NM_001354901.2, NM_001354905.2); c.-752C>T (NM_001354906.2); short protein forms S95F, S105F, S36F, S70F.
Identifiers: ClinVar variation 482441 (VCV000482441.19), dbSNP rs146221748, ClinGen allele CA16021955.
Genomic context (GRCh38, chr5:112,767,252, plus strand): 5'-TTAACTTAGATAGCAGTAATTTCCCTGGAGTAAAACTGCGGTCAAAAATGTCCCTCCGTT[C>T]TTATGGAAGCCGGGAAGGATCTGTATCAAGCCGTTCTGGAGAGTGCAGTCCTGTTCCTAT-3'
Protein context (NP_000029.2, residues 85-105): VKLRSKMSLR[Ser95Phe]YGSREGSVSS